The following is an entry in ClinVar:

ClinVar aggregate classification (germline): Uncertain significance (1 of 4 stars; one submission).

Conditions:
Meckel-Gruber syndrome. Also called: GRUBER SYNDROME; DYSENCEPHALIA SPLANCHNOCYSTICA; Dysencephalia splachnocystica. Identifiers: Orphanet 564, MedGen C0265215, MONDO:0018921.
Joubert syndrome. Also called: Familial aplasia of the vermis; JOUBERT-BOLTSHAUSER SYNDROME; CEREBELLOPARENCHYMAL DISORDER IV. Identifiers: Orphanet 475, MedGen C5979921, MONDO:0018772.
Nephronophthisis. Also called: Juvenile Nephronophthisis. Identifiers: Orphanet 655, MedGen C0687120, MONDO:0019005, HP:0000090.

gnomAD v4.1: 1 of 1,557,632 alleles (0.000064%); highest among the groups gnomAD compares: Non-Finnish European, 0.000087%; no homozygotes.

Submission:

Labcorp Genetics (formerly Invitae), Labcorp
Classification: Uncertain significance for Joubert syndrome; Meckel-Gruber syndrome; Nephronophthisis. Last evaluated: 2025-07-25. Review status: criteria provided, single submitter. Criteria: Invitae Variant Classification Sherloc (09022015). Collection method: clinical testing. Allele origin: germline.
Comment: This sequence change replaces proline, which is neutral and non-polar, with serine, which is neutral and polar, at codon 2128 of the CEP290 protein (p.Pro2128Ser). This variant is not present in population databases (gnomAD no frequency). This variant has not been reported in the literature in individuals affected with CEP290-related conditions. Invitae Evidence Modeling of protein sequence and biophysical properties (such as structural, functional, and spatial information, amino acid conservation, physicochemical variation, residue mobility, and thermodynamic stability) indicates that this missense variant is expected to disrupt CEP290 protein function with a positive predictive value of 80%. In summary, the available evidence is currently insufficient to determine the role of this variant in disease. Therefore, it has been classified as a Variant of Uncertain Significance.

NM_025114.4(CEP290):c.6382C>T (p.Pro2128Ser)

Gene: CEP290 (centrosomal protein 290; minus strand). Cytogenetic location: 12q21.32.
Variant type: single nucleotide variant.
Coding change: c.6382C>T on transcript NM_025114.4 (MANE Select); coding-DNA position 6382, C replaced by T.
Protein change: p.Pro2128Ser; replaces proline 2128 with serine.
Molecular consequence: missense variant.
Genome position (GRCh38, 1-based): chr12:88,060,970, G>A on the plus strand (C>T on the coding strand, the complement: CEP290 is on the minus strand). VCF-style: chr12-88060970-G-A. GRCh37 (hg19) VCF-style: chr12-88454747-G-A.
Other names: short protein forms P2128S.
Identifiers: ClinVar variation 4782717 (VCV004782717.1).